The following is an entry in ClinVar:

NM_144997.7(FLCN):c.819_824delinsGCTCGGACCG (p.Glu275fs)

Gene: FLCN (folliculin; minus strand). Cytogenetic location: 17p11.2.
Variant type: Indel.
Coding change: c.819_824delinsGCTCGGACCG on transcript NM_144997.7 (MANE Select); coding-DNA positions 819 to 824, CCTGGA replaced by GCTCGGACCG.
Protein change: p.Glu275fs; shifts the reading frame from glutamic acid 275.
Molecular consequence: frameshift variant.
Genome position (GRCh38, 1-based): chr17:17,221,584-17,221,589, TCCAGG replaced by CGGTCCGAGC on the plus strand (CCTGGA replaced by GCTCGGACCG on the coding strand, the reverse complement: FLCN is on the minus strand). VCF-style: chr17-17221584-TCCAGG-CGGTCCGAGC. GRCh37 (hg19) VCF-style: chr17-17124898-TCCAGG-CGGTCCGAGC.
Other names: p.Glu275Glyfs*18; c.873_878delinsGCTCGGACCG, p.Glu293fs (NM_001353229.2); c.819_824delinsGCTCGGACCG, p.Glu275fs (NM_001353230.2, NM_001353231.2, NM_144606.7); short protein forms E275fs, E293fs.
Identifiers: ClinVar variation 3381155 (VCV003381155.1).

ClinVar aggregate classification (germline): Likely pathogenic (1 of 4 stars; one submission).

Submission:

Mayo Clinic Laboratories, Mayo Clinic
Classification: Likely pathogenic. Last evaluated: 2023-12-12. Review status: criteria provided, single submitter. Criteria: ACMG Guidelines, 2015. Collection method: clinical testing. Allele origin: germline. Observed: 1 variant allele.
Comment: PM2_moderate, PVS1